The following is an entry in ClinVar:

NM_033305.3(VPS13A):c.5184T>C (p.Ser1728=)

Gene: VPS13A (vacuolar protein sorting 13 homolog A; plus strand). Cytogenetic location: 9q21.2.
Variant type: single nucleotide variant.
Coding change: c.5184T>C on transcript NM_033305.3 (MANE Select); coding-DNA position 5184, T replaced by C.
Protein change: p.Ser1728=; no amino-acid change (serine 1728 retained).
Molecular consequence: synonymous variant.
Genome position (GRCh38, 1-based): chr9:77,318,462, T>C. VCF-style: chr9-77318462-T-C. GRCh37 (hg19) VCF-style: chr9-79933378-T-C.
Other names: p.Ser1728=; c.5067T>C, p.Ser1689= (NM_001018037.2); c.5184T>C, p.Ser1728= (NM_001018038.3, NM_015186.4).
Identifiers: ClinVar variation 448866 (VCV000448866.19), dbSNP rs73467954, ClinGen allele CA5092699.

ClinVar aggregate classification (germline): Benign/Likely benign. Review status: criteria provided, multiple submitters, no conflicts (2 of 4 stars). 7 submissions from 7 submitters: Benign (4); Likely benign (2). 1 of the submissions does not count toward it. Last evaluated 2026-01-19.

Conditions:
VPS13A-related neurodegenerative disease. Also called: LEVINE-CRITCHLEY SYNDROME; Choreoacanthocytosis; Chorea-acanthocytosis; VPS13A Disease; Choreaacanthocytosis; ACANTHOCYTOSIS WITH NEUROLOGIC DISORDER. Identifiers: Orphanet 2388, MedGen C0393576, MONDO:0008695, OMIM 200150.

Allele frequency attached by ClinVar (database versions not stated): gnomAD exomes 0.00036 and 0.00090; ExAC 0.00109; 1000 Genomes Project 0.00300; gnomAD 0.00370 and 0.00400; 1000 Genomes Project 30x 0.00390; ESP Exome Variant Server 0.00423; TOPMed 0.00433.
gnomAD v4.1: 1,105 of 1,613,886 alleles (0.068%); highest among the groups gnomAD compares: African/African-American, 1.3%; 5 homozygotes.

Submissions (7):

Labcorp Genetics (formerly Invitae), Labcorp
Classification: Benign. Last evaluated: 2026-01-19. Review status: criteria provided, single submitter. Criteria: Invitae Variant Classification Sherloc (09022015). Collection method: clinical testing. Allele origin: germline.

CeGaT Center for Human Genetics Tuebingen
Classification: Likely benign. Last evaluated: 2026-01-01. Review status: criteria provided, single submitter. Criteria: CeGaT Center For Human Genetics Tuebingen Variant Classification Criteria Version 2. Collection method: clinical testing. Allele origin: germline. Affected: yes. Observed: 1 variant allele.
Comment: VPS13A: BP4, BP7, BS1

Mayo Clinic Laboratories, Mayo Clinic
Classification: Benign. Last evaluated: 2025-05-20. Review status: criteria provided, single submitter. Criteria: ACMG Guidelines, 2015. Collection method: clinical testing. Allele origin: germline. Observed: 1 variant allele.
Comment: BS1, BS2, BP4, BP7

Blueprint Genetics
Classification: Likely benign. Last evaluated: 2024-11-14. Review status: criteria provided, single submitter. Criteria: ACMG Guidelines, 2015. Collection method: clinical testing. Allele origin: germline.

Athena Diagnostics
Classification: Benign. Last evaluated: 2017-03-29. Review status: criteria provided, single submitter. Criteria: Athena Diagnostics Criteria. Collection method: clinical testing. Allele origin: germline.

Breakthrough Genomics
Classification: Benign. Review status: criteria provided, single submitter. Criteria: ACMG Guidelines, 2015. Collection method: not provided. Allele origin: germline. Inheritance: Autosomal recessive inheritance. Affected: yes.

Natera, Inc.
Classification: Likely benign for Choreaacanthocytosis. Last evaluated: 2019-12-06. Review status: no assertion criteria provided. Collection method: clinical testing. Allele origin: germline. Not counted in ClinVar's aggregate classification.